The following is an entry in ClinVar:

ClinVar aggregate classification (germline): Uncertain significance. Review status: criteria provided, multiple submitters, no conflicts (2 of 4 stars). 2 submissions from 2 submitters: Uncertain significance (2). Last evaluated 2023-12-09.

Conditions:
Inborn genetic diseases. Identifiers: MedGen C0950123, MeSH D030342.

Allele frequency attached by ClinVar (database versions not stated): ExAC 0.00001; TOPMed 0.00001; ESP Exome Variant Server 0.00008.

Submissions (2):

Ambry Genetics
Classification: Uncertain significance for Inborn genetic diseases. Last evaluated: 2023-12-09. Review status: criteria provided, single submitter. Criteria: Ambry Variant Classification Scheme 2023. Collection method: clinical testing. Allele origin: germline.

Labcorp Genetics (formerly Invitae), Labcorp
Classification: Uncertain significance. Last evaluated: 2022-07-29. Review status: criteria provided, single submitter. Criteria: Invitae Variant Classification Sherloc (09022015). Collection method: clinical testing. Allele origin: germline.
Comment: This sequence change replaces threonine, which is neutral and polar, with arginine, which is basic and polar, at codon 271 of the GNPTG protein (p.Thr271Arg). This variant is present in population databases (rs374442826, gnomAD 0.01%). This variant has not been reported in the literature in individuals affected with GNPTG-related conditions. Algorithms developed to predict the effect of missense changes on protein structure and function (SIFT, PolyPhen-2, Align-GVGD) all suggest that this variant is likely to be tolerated. Algorithms developed to predict the effect of sequence changes on RNA splicing suggest that this variant may create or strengthen a splice site. In summary, the available evidence is currently insufficient to determine the role of this variant in disease. Therefore, it has been classified as a Variant of Uncertain Significance.

NM_032520.5(GNPTG):c.812C>G (p.Thr271Arg)

Gene: GNPTG (N-acetylglucosamine-1-phosphate transferase subunit gamma; plus strand). Cytogenetic location: 16p13.3.
Variant type: single nucleotide variant.
Coding change: c.812C>G on transcript NM_032520.5 (MANE Select); coding-DNA position 812, C replaced by G.
Protein change: p.Thr271Arg; replaces threonine 271 with arginine.
Molecular consequence: missense variant.
Genome position (GRCh38, 1-based): chr16:1,362,895, C>G. VCF-style: chr16-1362895-C-G. GRCh37 (hg19) VCF-style: chr16-1412896-C-G.
Other names: c.812C>G (NM_032520.4); short protein forms T271R.
Identifiers: ClinVar variation 1910434 (VCV001910434.3), dbSNP rs374442826, ClinGen allele CA7807960.